The following is an entry in ClinVar:

ClinVar aggregate classification (germline): Conflicting classifications of pathogenicity. Review status: criteria provided, conflicting classifications (1 of 4 stars). 9 submissions from 9 submitters: Uncertain significance (1); Benign (6); Likely benign (2). Last evaluated 2026-05-11.

Conditions:
Hereditary factor XIII deficiency disease. Also called: Congenital factor XIII deficiency; Fibrin stabilizing factor deficiency. Identifiers: Orphanet 331, MedGen C0015530, MeSH D005177, MONDO:0018029.
Factor XIII, A subunit, deficiency of. Also called: Factor XIII subunit A deficiency. Identifiers: Orphanet 331, MedGen C2750514, MONDO:0013187, OMIM 613225, HP:0040233.

Allele frequency attached by ClinVar (database versions not stated): TOPMed 0.18209; gnomAD 0.18893 and 0.19579; ESP Exome Variant Server 0.19253; gnomAD exomes 0.21204 and 0.21518; ExAC 0.21596; 1000 Genomes Project 30x 0.23501; 1000 Genomes Project 0.24042.
gnomAD v4.1: 344,916 of 1,613,906 alleles (21%); highest among the groups gnomAD compares: South Asian, 33%; 38,795 homozygotes.

Submissions (9):

Women's Health and Genetics/Laboratory Corporation of America, LabCorp
Classification: Likely benign. Last evaluated: 2026-05-11. Review status: criteria provided, single submitter. Criteria: LabCorp Variant Classification Summary - May 2015. Collection method: clinical testing. Allele origin: germline.

Genomic Medicine Center of Excellence, King Faisal Specialist Hospital and Research Centre
Classification: Likely benign for Hereditary factor XIII deficiency disease. Last evaluated: 2025-07-30. Review status: criteria provided, single submitter. Criteria: ACMG Guidelines, 2015. Collection method: clinical testing. Allele origin: germline.

Blueprint Genetics
Classification: Benign. Last evaluated: 2024-11-27. Review status: criteria provided, single submitter. Criteria: ACMG Guidelines, 2015. Collection method: clinical testing. Allele origin: germline.

Mayo Clinic Laboratories, Mayo Clinic
Classification: Benign. Last evaluated: 2023-08-29. Review status: criteria provided, single submitter. Criteria: ACMG Guidelines, 2015. Collection method: clinical testing. Allele origin: germline. Observed: 76 variant alleles.
Comment: BA1, BS2, BP4

Genome-Nilou Lab
Classification: Benign for Factor XIII, A subunit, deficiency of. Last evaluated: 2021-08-10. Review status: criteria provided, single submitter. Criteria: ACMG Guidelines, 2015. Collection method: clinical testing. Allele origin: germline. Affected: no.

GeneDx
Classification: Benign. Last evaluated: 2021-06-09. Review status: criteria provided, single submitter. Criteria: GeneDx Variant Classification Process June 2021. Collection method: clinical testing. Allele origin: germline. Affected: yes.
Comment: This variant is associated with the following publications: (PMID: 9920838, 11108652, 20384622)

Illumina Laboratory Services, Illumina
Classification: Benign for Factor XIII, A subunit, deficiency of. Last evaluated: 2018-03-06. Review status: criteria provided, single submitter. Criteria: ICSL Variant Classification Criteria 13 December 2019. Collection method: clinical testing. Allele origin: germline.
Comment: This variant was observed in the ICSL laboratory as part of a predisposition screen in an ostensibly healthy population. It had not been previously curated by ICSL or reported in the Human Gene Mutation Database (HGMD: prior to June 1st, 2018), and was therefore a candidate for classification through an automated scoring system. Utilizing variant allele frequency, disease prevalence and penetrance estimates, and inheritance mode, an automated score was calculated to assess if this variant is too frequent to cause the disease. Based on the score and internal cut-off values, a variant classified as benign is not then subjected to further curation. The score for this variant resulted in a classification of benign for this disease.

CeGaT Center for Human Genetics Tuebingen
Classification: Uncertain significance. Last evaluated: 2016-10-01. Review status: criteria provided, single submitter. Criteria: CeGaT Center For Human Genetics Tuebingen Variant Classification Criteria Version 2. Collection method: clinical testing. Allele origin: germline. Affected: yes. Observed: 1 variant allele.

PreventionGenetics, part of Exact Sciences
Classification: Benign. Review status: criteria provided, single submitter. Criteria: ACMG Guidelines, 2015. Collection method: clinical testing. Allele origin: germline.

NM_000129.4(F13A1):c.1694C>T (p.Pro565Leu)

Gene: F13A1 (coagulation factor XIII A chain; minus strand). Cytogenetic location: 6p25.1.
Variant type: single nucleotide variant.
Coding change: c.1694C>T on transcript NM_000129.4 (MANE Select); coding-DNA position 1694, C replaced by T.
Protein change: p.Pro565Leu; replaces proline 565 with leucine.
Molecular consequence: missense variant.
Genome position (GRCh38, 1-based): chr6:6,174,633, G>A on the plus strand (C>T on the coding strand, the complement: F13A1 is on the minus strand). VCF-style: chr6-6174633-G-A. GRCh37 (hg19) VCF-style: chr6-6174866-G-A.
Other names: p.Pro565Leu; short protein forms P565L.
Identifiers: ClinVar variation 255183 (VCV000255183.56), dbSNP rs5982, ClinGen allele CA3624279.